The following is an entry in ClinVar:

ClinVar aggregate classification (germline): Uncertain significance (1 of 4 stars; one submission).

Conditions:
Bloom syndrome (BLM). Also called: Bloom-Torre-Machacek syndrome. Identifiers: Orphanet 125, MedGen C0005859, MONDO:0008876, OMIM 210900.

Submission:

Labcorp Genetics (formerly Invitae), Labcorp
Classification: Uncertain significance for Bloom syndrome. Last evaluated: 2022-02-28. Review status: criteria provided, single submitter. Criteria: Invitae Variant Classification Sherloc (09022015). Collection method: clinical testing. Allele origin: germline.
Comment: In summary, the available evidence is currently insufficient to determine the role of this variant in disease. Therefore, it has been classified as a Variant of Uncertain Significance. Algorithms developed to predict the effect of sequence changes on RNA splicing suggest that this variant may disrupt the consensus splice site. This variant has not been reported in the literature in individuals affected with BLM-related conditions. This variant is not present in population databases (gnomAD no frequency). This sequence change falls in intron 12 of the BLM gene. It does not directly change the encoded amino acid sequence of the BLM protein.

NM_000057.4(BLM):c.2556-12G>A

Gene: BLM (BLM RecQ like helicase; plus strand). Cytogenetic location: 15q26.1.
Variant type: single nucleotide variant.
Coding change: c.2556-12G>A on transcript NM_000057.4 (MANE Select); 12 bases into the intron before coding-DNA position 2556, G replaced by A.
Molecular consequence: intron variant.
Genome position (GRCh38, 1-based): chr15:90,782,810, G>A. VCF-style: chr15-90782810-G-A. GRCh37 (hg19) VCF-style: chr15-91326040-G-A.
Other names: c.2556-12G>A (NM_001287246.2, NM_001287247.2); c.1431-12G>A (NM_001287248.2).
Identifiers: ClinVar variation 2103463 (VCV002103463.4), dbSNP rs2151177995, ClinGen allele CA2580090231.